The following is an entry in ClinVar:

ClinVar aggregate classification (germline): Uncertain significance (1 of 4 stars; one submission).

Submission:

GeneDx
Classification: Uncertain significance. Last evaluated: 2025-07-26. Review status: criteria provided, single submitter. Criteria: GeneDx Variant Classification Process June 2021. Collection method: clinical testing. Allele origin: germline. Affected: yes.
Comment: Not observed at significant frequency in large population cohorts (gnomAD); Nonsense variant predicted to result in protein truncation or nonsense mediated decay in a gene or region of a gene for which loss of function is not a well-established mechanism of disease; Has not been previously published as pathogenic or benign to our knowledge

NM_013291.3(CPSF1):c.1807C>T (p.Gln603Ter)

Gene: CPSF1 (cleavage and polyadenylation specific factor 1; minus strand). Cytogenetic location: 8q24.3.
Variant type: single nucleotide variant.
Coding change: c.1807C>T on transcript NM_013291.3 (MANE Select); coding-DNA position 1807, C replaced by T.
Protein change: p.Gln603Ter; replaces glutamine 603 with a stop codon.
Molecular consequence: nonsense.
Genome position (GRCh38, 1-based): chr8:144,398,389, G>A on the plus strand (C>T on the coding strand, the complement: CPSF1 is on the minus strand). VCF-style: chr8-144398389-G-A.
Other names: short protein forms Q603*.
Identifiers: ClinVar variation 4687100 (VCV004687100.1).